The following is an entry in ClinVar:

ClinVar aggregate classification (germline): Uncertain significance (1 of 4 stars; one submission).

Submission:

Labcorp Genetics (formerly Invitae), Labcorp
Classification: Uncertain significance. Last evaluated: 2025-03-27. Review status: criteria provided, single submitter. Criteria: Invitae Variant Classification Sherloc (09022015). Collection method: clinical testing. Allele origin: germline.
Comment: This sequence change affects the initiator methionine of the HPS3 mRNA. The next in-frame methionine is located at codon 108. This variant is not present in population databases (gnomAD no frequency). This variant has not been reported in the literature in individuals affected with HPS3-related conditions. Experimental studies and prediction algorithms are not available or were not evaluated, and the functional significance of this variant is currently unknown. In summary, the available evidence is currently insufficient to determine the role of this variant in disease. Therefore, it has been classified as a Variant of Uncertain Significance.

NM_032383.5(HPS3):c.1A>T (p.Met1Leu)

Gene: HPS3 (HPS3 biogenesis of lysosomal organelles complex 2 subunit 1; plus strand). Cytogenetic location: 3q24.
Variant type: single nucleotide variant.
Coding change: c.1A>T on transcript NM_032383.5 (MANE Select); coding-DNA position 1, A replaced by T.
Protein change: p.Met1Leu; changes the start codon (methionine 1).
Molecular consequence: missense variant, initiator codon variant.
Genome position (GRCh38, 1-based): chr3:149,129,724, A>T. VCF-style: chr3-149129724-A-T. GRCh37 (hg19) VCF-style: chr3-148847511-A-T.
Other names: c.1A>T, p.Met1Leu (NM_001308258.2); short protein forms M1L.
Identifiers: ClinVar variation 4765234 (VCV004765234.1).